The following is an entry in ClinVar:

ClinVar aggregate classification (germline): Uncertain significance (1 of 4 stars; one submission).

Conditions:
Familial cancer of breast. Also called: Hereditary breast cancer; BREAST CANCER, FAMILIAL; hereditary breast carcinoma. Identifiers: Orphanet 227535, MedGen C0346153, MONDO:0016419, OMIM 114480. Disease mechanism: loss of function.

gnomAD v4.1: 1 of 1,614,094 alleles (0.000062%); highest among the groups gnomAD compares: Non-Finnish European, 0.000085%; no homozygotes.

Submission:

Labcorp Genetics (formerly Invitae), Labcorp
Classification: Uncertain significance for Familial cancer of breast. Last evaluated: 2024-11-05. Review status: criteria provided, single submitter. Criteria: Invitae Variant Classification Sherloc (09022015). Collection method: clinical testing. Allele origin: germline.
Comment: This sequence change replaces arginine, which is basic and polar, with threonine, which is neutral and polar, at codon 327 of the BARD1 protein (p.Arg327Thr). This variant is not present in population databases (gnomAD no frequency). This variant has not been reported in the literature in individuals affected with BARD1-related conditions. An algorithm developed to predict the effect of missense changes on protein structure and function (PolyPhen-2) suggests that this variant is likely to be tolerated. In summary, the available evidence is currently insufficient to determine the role of this variant in disease. Therefore, it has been classified as a Variant of Uncertain Significance.

NM_000465.4(BARD1):c.980G>C (p.Arg327Thr)

Gene: BARD1 (BRCA1 associated RING domain 1; minus strand). Cytogenetic location: 2q35.
Variant type: single nucleotide variant.
Coding change: c.980G>C on transcript NM_000465.4 (MANE Select); coding-DNA position 980, G replaced by C.
Protein change: p.Arg327Thr; replaces arginine 327 with threonine.
Molecular consequence: missense variant. On other transcripts: non-coding transcript variant (2), intron variant (3).
Genome position (GRCh38, 1-based): chr2:214,780,894, C>G on the plus strand (G>C on the coding strand, the complement: BARD1 is on the minus strand). VCF-style: chr2-214780894-C-G. GRCh37 (hg19) VCF-style: chr2-215645618-C-G.
Other names: c.923G>C, p.Arg308Thr (NM_001282543.2); c.159-28339G>C (NM_001282548.2); c.215+16167G>C (NM_001282545.2); c.364+11403G>C (NM_001282549.2); short protein forms R308T, R327T.
Identifiers: ClinVar variation 3724692 (VCV003724692.2).